The following is an entry in ClinVar:

ClinVar aggregate classification (germline): Uncertain significance. Review status: criteria provided, multiple submitters, no conflicts (2 of 4 stars). 5 submissions from 5 submitters: Uncertain significance (5). Last evaluated 2026-07-06.

Conditions:
Familial thoracic aortic aneurysm and aortic dissection (TAAD). Also called: Thoracic aortic aneurysms and dissections. Identifiers: Orphanet 91387, MedGen C4707243, MONDO:0019625.

Allele frequency attached by ClinVar (database versions not stated): ExAC 0.00001.
gnomAD v4.1: 17 of 1,613,932 alleles (0.0011%); highest among the groups gnomAD compares: East Asian, 0.0022%; no homozygotes.

Submissions (5):

Ambry Genetics
Classification: Uncertain significance for Familial thoracic aortic aneurysm and aortic dissection. Last evaluated: 2026-07-06. Review status: criteria provided, single submitter. Criteria: Ambry Variant Classification Scheme 2023. Collection method: clinical testing. Allele origin: germline.
Comment: The p.R1564W variant (also known as c.4690C>T), located in coding exon 32 of the MYH11 gene, results from a C to T substitution at nucleotide position 4690. The arginine at codon 1564 is replaced by tryptophan, an amino acid with dissimilar properties. This amino acid position is conserved. In addition, this alteration is predicted to be deleterious by in silico analysis. Based on the available evidence, the clinical significance of this variant remains unclear.

All of Us Research Program, National Institutes of Health
Classification: Uncertain significance for Familial thoracic aortic aneurysm and aortic dissection. Last evaluated: 2024-07-20. Review status: criteria provided, single submitter. Criteria: ACMG Guidelines, 2015. Collection method: clinical testing. Allele origin: germline. Inheritance: Autosomal dominant inheritance. Observed: 2 variant alleles, 2 heterozygotes.
Comment: This missense variant replaces arginine with tryptophan at codon 1571 of the MYH11 protein. Computational prediction suggests that this variant may have deleterious impact on protein structure and function (internally defined REVEL score threshold >= 0.7, PMID: 27666373). To our knowledge, functional studies have not been reported for this variant. This variant has not been reported in individuals affected with cardiovascular disorders in the literature. This variant has been identified in 1/251478 chromosomes in the general population by the Genome Aggregation Database (gnomAD). The available evidence is insufficient to determine the role of this variant in disease conclusively. Therefore, this variant is classified as a Variant of Uncertain Significance.

This study involves interpretation of variants in research participants for the purpose of population health screening. Participant phenotype was not available at the time of variant classification. Additional details can be found in publication PMID: 35346344, PMCID: PMC8962531

Color Diagnostics, LLC DBA Color Health
Classification: Uncertain significance for Familial thoracic aortic aneurysm and aortic dissection. Last evaluated: 2024-03-07. Review status: criteria provided, single submitter. Criteria: ACMG Guidelines, 2015. Collection method: clinical testing. Allele origin: germline.
Comment: This missense variant replaces arginine with tryptophan at codon 1571 of the MYH11 protein. Computational prediction suggests that this variant may have deleterious impact on protein structure and function (internally defined REVEL score threshold >= 0.7, PMID: 27666373). To our knowledge, functional studies have not been reported for this variant. This variant has not been reported in individuals affected with cardiovascular disorders in the literature. This variant has been identified in 1/251478 chromosomes in the general population by the Genome Aggregation Database (gnomAD). The available evidence is insufficient to determine the role of this variant in disease conclusively. Therefore, this variant is classified as a Variant of Uncertain Significance.

CHEO Genetics Diagnostic Laboratory, Children's Hospital of Eastern Ontario
Classification: Uncertain significance for Familial thoracic aortic aneurysm and aortic dissection. Last evaluated: 2021-06-10. Review status: criteria provided, single submitter. Criteria: ACMG Guidelines, 2015. Collection method: clinical testing. Allele origin: germline.

Blueprint Genetics
Classification: Uncertain significance. Last evaluated: 2020-03-03. Review status: criteria provided, single submitter. Criteria: ACMG Guidelines, 2015. Collection method: clinical testing. Allele origin: germline.

NM_002474.3(MYH11):c.4690C>T (p.Arg1564Trp)

Genes: MYH11 (myosin heavy chain 11; minus strand), NDE1 (nudE neurodevelopment protein 1; plus strand). Cytogenetic location: 16p13.11.
Variant type: single nucleotide variant.
Coding change: c.4690C>T on transcript NM_002474.3 (MANE Select); coding-DNA position 4690, C replaced by T.
Protein change: p.Arg1564Trp; replaces arginine 1564 with tryptophan.
Molecular consequence: missense variant. On other transcripts: intron variant (2).
Genome position (GRCh38, 1-based): chr16:15,720,940, G>A on the plus strand (C>T on the coding strand, the complement: MYH11 is on the minus strand). VCF-style: chr16-15720940-G-A. GRCh37 (hg19) VCF-style: chr16-15814797-G-A.
Other names: c.4690C>T (NM_002474.2); c.4711C>T, p.Arg1571Trp (NM_001040113.2, NM_001040114.2); c.4690C>T, p.Arg1564Trp (NM_022844.3); c.948-3251G>A (NM_001143979.2, NM_017668.3); short protein forms R1564W, R1571W.
Identifiers: ClinVar variation 2442884 (VCV002442884.7), dbSNP rs756121642, ClinGen allele CA7921584.